The following is an entry in ClinVar:

ClinVar aggregate classification (germline): Uncertain significance (1 of 4 stars; one submission).

Conditions:
Hereditary spastic paraplegia 30. Identifiers: Orphanet 101010, MedGen C5235139, MONDO:0012476.
Neuropathy, hereditary sensory, type 2C. Also called: Hereditary sensory and autonomic neuropathy type IIC; KIF1A-Related HSAN2 (HSAN2C). Identifiers: Orphanet 970, MedGen C3280168, MONDO:0013634, OMIM 614213.
Intellectual disability, autosomal dominant 9 (NESCAVS). Also called: NESCAV SYNDROME; KIF1A-Related Neurodevelopmental Disorder. Identifiers: Orphanet 662367, MedGen C5393830, MONDO:0013656, OMIM 614255.

Allele frequency attached by ClinVar (database versions not stated): gnomAD exomes 0.00001; ExAC 0.00002.
gnomAD v4.1: 12 of 1,613,156 alleles (0.00074%); highest among the groups gnomAD compares: South Asian, 0.0044%; no homozygotes.

Submission:

Labcorp Genetics (formerly Invitae), Labcorp
Classification: Uncertain significance for Hereditary spastic paraplegia 30; Neuropathy, hereditary sensory, type 2C; Intellectual disability, autosomal dominant 9. Last evaluated: 2025-07-28. Review status: criteria provided, single submitter. Criteria: Invitae Variant Classification Sherloc (09022015). Collection method: clinical testing. Allele origin: germline.
Comment: This sequence change replaces arginine, which is basic and polar, with cysteine, which is neutral and slightly polar, at codon 1201 of the KIF1A protein (p.Arg1201Cys). This variant is present in population databases (rs767151093, gnomAD 0.006%). This variant has not been reported in the literature in individuals affected with KIF1A-related conditions. ClinVar contains an entry for this variant (Variation ID: 1402050). An algorithm developed to predict the effect of missense changes on protein structure and function (PolyPhen-2) suggests that this variant is likely to be tolerated. In summary, the available evidence is currently insufficient to determine the role of this variant in disease. Therefore, it has been classified as a Variant of Uncertain Significance.

NM_001244008.2(KIF1A):c.3904C>T (p.Arg1302Cys)

Gene: KIF1A (kinesin family member 1A; minus strand). Cytogenetic location: 2q37.3.
Variant type: single nucleotide variant.
Coding change: c.3904C>T on transcript NM_001244008.2 (MANE Select); coding-DNA position 3904, C replaced by T.
Protein change: p.Arg1302Cys; replaces arginine 1302 with cysteine.
Molecular consequence: missense variant.
Genome position (GRCh38, 1-based): chr2:240,737,166, G>A on the plus strand (C>T on the coding strand, the complement: KIF1A is on the minus strand). VCF-style: chr2-240737166-G-A. GRCh37 (hg19) VCF-style: chr2-241676583-G-A.
Other names: c.3628C>T, p.Arg1210Cys (NM_001320705.2, NM_001330289.2, NM_001379638.1); c.3703C>T, p.Arg1235Cys (NM_001330290.2, NM_001379634.1, NM_001379635.1 and 1 more transcripts); c.3979C>T, p.Arg1327Cys (NM_001379631.1); c.3853C>T, p.Arg1285Cys (NM_001379632.1); c.3877C>T, p.Arg1293Cys (NM_001379633.1, NM_001379642.1, NM_001379645.1); c.3715C>T, p.Arg1239Cys (NM_001379636.1); c.3676C>T, p.Arg1226Cys (NM_001379637.1, NM_001379648.1); c.3601C>T, p.Arg1201Cys (NM_001379639.1, NM_001379641.1, NM_001379649.1 and 4 more transcripts); and 1 more; short protein forms R1210C, R1235C, R1239C, R1302C, R1293C, R1327C, R1200C, R1201C.
Identifiers: ClinVar variation 1402050 (VCV001402050.8), dbSNP rs767151093, ClinGen allele CA2207585.